The following is an entry in ClinVar:

ClinVar aggregate classification (germline): Pathogenic/Likely pathogenic. Review status: criteria provided, multiple submitters, no conflicts (2 of 4 stars). 2 submissions from 2 submitters: Pathogenic (1); Likely pathogenic (1). Last evaluated 2024-12-24.

Conditions:
CSNK2B-Related Neurodevelopmental Disorder. Identifiers: MedGen CN381062.
Poirier-Bienvenu neurodevelopmental syndrome (POBINDS). Identifiers: Orphanet 689397, MedGen C5231482, MONDO:0032889, OMIM 618732.

Submissions (2):

Rady Children's Institute for Genomic Medicine, Rady Children's Hospital San Diego
Classification: Pathogenic for CSNK2B-related neurodevelopmental disorder. Last evaluated: 2024-12-24. Review status: criteria provided, single submitter. Criteria: ACMG Guidelines, 2015. Collection method: clinical testing. Allele origin: germline. Affected: yes.
Comment: This variant affects the canonical splice donor site of intron 6 and is therefore predicted to interfere with splicing and result in loss of normal protein function through either protein truncation or nonsense-mediated mRNA decay. This variant has not been previously reported or functionally characterized in the literature to our knowledge. Splice variation at the same position (c.557+1G>A) has been previously reported in at least one individual with severe intellectual disability and epilepsy (PMID: 34041744, 37471090). The c.557+1G>C variant is absent from the latest version of the gnomAD population database and thus is presumed to be rare. Based on parental analysis, this variant likely occurred as a de novo event. Based on the available evidence, c.557+1G>C is classified as Pathogenic.

Revvity Omics, Revvity
Classification: Likely pathogenic for Poirier-Bienvenu neurodevelopmental syndrome. Last evaluated: 2022-04-07. Review status: criteria provided, single submitter. Criteria: ACMG Guidelines, 2015. Collection method: clinical testing. Allele origin: germline.

Literature cited by the submitters: PubMed 34041744 (cited by Rady Children's Institute for Genomic Medicine, Rady Children's Hospital San Diego); PubMed 37471090 (cited by Rady Children's Institute for Genomic Medicine, Rady Children's Hospital San Diego).

NM_001320.7(CSNK2B):c.557+1G>C

Gene: CSNK2B (casein kinase 2 beta; plus strand). Cytogenetic location: 6p21.33.
Variant type: single nucleotide variant.
Coding change: c.557+1G>C on transcript NM_001320.7 (MANE Select); the canonical splice donor site of the intron after coding-DNA position 557, G replaced by C.
Molecular consequence: splice donor variant.
Genome position (GRCh38, 1-based): chr6:31,669,509, G>C. VCF-style: chr6-31669509-G-C. GRCh37 (hg19) VCF-style: chr6-31637286-G-C.
Other names: c.548+1G>C (NM_001282385.2).
Identifiers: ClinVar variation 2439611 (VCV002439611.4), dbSNP rs2151189070, ClinGen allele CA363478133.